The following is an entry in ClinVar:

NM_182914.3(SYNE2):c.15436dup (p.Glu5146fs)

Gene: SYNE2 (spectrin repeat containing nuclear envelope protein 2; plus strand). Cytogenetic location: 14q23.2.
Variant type: Duplication.
Coding change: c.15436dup on transcript NM_182914.3 (MANE Select); coding-DNA position 15436, one base duplicated (G; older notation c.15436dupG).
Protein change: p.Glu5146fs; shifts the reading frame from glutamic acid 5146.
Molecular consequence: frameshift variant.
Genome position (GRCh38, 1-based): chr14:64,143,901, G duplicated; the last of 5 consecutive G bases (chr14:64,143,897-64,143,901); duplicating any one gives the same sequence. VCF-style (leftmost placement, unchanged base first): chr14-64143896-T-TG. GRCh37 (hg19) VCF-style: chr14-64610614-T-TG.
Other names: c.15436dup, p.Glu5146fs (NM_015180.6); short protein forms E5146fs.
Identifiers: ClinVar variation 2696017 (VCV002696017.3), dbSNP rs2549395085, ClinGen allele CA2697553933.

ClinVar aggregate classification (germline): Uncertain significance (1 of 4 stars; one submission).

Conditions:
Emery-Dreifuss muscular dystrophy 5, autosomal dominant (EDMD5). Also called: EMERY-DREIFUSS MUSCULAR DYSTROPHY 5. Identifiers: Orphanet 261, MedGen C2751805, MONDO:0013072, OMIM 612999.

Submission:

Labcorp Genetics (formerly Invitae), Labcorp
Classification: Uncertain significance for Emery-Dreifuss muscular dystrophy 5, autosomal dominant. Last evaluated: 2024-02-14. Review status: criteria provided, single submitter. Criteria: Invitae Variant Classification Sherloc (09022015). Collection method: clinical testing. Allele origin: germline.
Comment: This sequence change creates a premature translational stop signal (p.Glu5146Glyfs*15) in the SYNE2 gene. It is expected to result in an absent or disrupted protein product. However, the current clinical and genetic evidence is not sufficient to establish whether loss-of-function variants in SYNE2 cause disease. This variant is not present in population databases (gnomAD no frequency). This variant has not been reported in the literature in individuals affected with SYNE2-related conditions. In summary, the available evidence is currently insufficient to determine the role of this variant in disease. Therefore, it has been classified as a Variant of Uncertain Significance.